The following is an entry in ClinVar:

ClinVar aggregate classification (germline): Uncertain significance (1 of 4 stars; one submission).

Conditions:
Hereditary cancer-predisposing syndrome. Also called: Hereditary Cancer Syndrome; Hereditary neoplastic syndrome; Neoplastic Syndromes, Hereditary; Tumor predisposition. Identifiers: Orphanet 140162, MedGen C0027672, MeSH D009386, MONDO:0015356.

Allele frequency attached by ClinVar (database versions not stated): gnomAD exomes below 0.00001; ExAC 0.00001; TOPMed 0.00001.

Submission:

Ambry Genetics
Classification: Uncertain significance for Hereditary cancer-predisposing syndrome. Last evaluated: 2022-06-23. Review status: criteria provided, single submitter. Criteria: Ambry Variant Classification Scheme 2023. Collection method: clinical testing. Allele origin: germline.
Comment: The p.G52C variant (also known as c.154G>T), located in coding exon 2 of the EPCAM gene, results from a G to T substitution at nucleotide position 154. The glycine at codon 52 is replaced by cysteine, an amino acid with highly dissimilar properties. This amino acid position is conserved. In addition, the in silico prediction for this alteration is inconclusive. Since supporting evidence is limited at this time, the clinical significance of this alteration remains unclear.

NM_002354.3(EPCAM):c.154G>T (p.Gly52Cys)

Gene: EPCAM (epithelial cell adhesion molecule; plus strand). Cytogenetic location: 2p21.
Variant type: single nucleotide variant.
Coding change: c.154G>T on transcript NM_002354.3 (MANE Select); coding-DNA position 154, G replaced by T.
Protein change: p.Gly52Cys; replaces glycine 52 with cysteine.
Molecular consequence: missense variant.
Genome position (GRCh38, 1-based): chr2:47,373,540, G>T. VCF-style: chr2-47373540-G-T. GRCh37 (hg19) VCF-style: chr2-47600679-G-T.
Other names: short protein forms G52C.
Identifiers: ClinVar variation 1775028 (VCV001775028.2), dbSNP rs746190830, ClinGen allele CA1648892.